The following is an entry in ClinVar:

NM_003242.6(TGFBR2):c.263+5G>A

Gene: TGFBR2 (transforming growth factor beta receptor 2; plus strand). Cytogenetic location: 3p24.1.
Variant type: single nucleotide variant.
Coding change: c.263+5G>A on transcript NM_003242.6 (MANE Select); 5 bases into the intron after coding-DNA position 263, G replaced by A.
Molecular consequence: intron variant.
Genome position (GRCh38, 1-based): chr3:30,644,920, G>A. VCF-style: chr3-30644920-G-A. GRCh37 (hg19) VCF-style: chr3-30686412-G-A.
Other names: c.158+5G>A (NM_001407129.1, NM_001407132.1, NM_001407136.1 and 3 more transcripts); c.338+5G>A (NM_001407126.1, NM_001024847.3, NM_001407139.1); c.169+21647G>A (NM_001407137.1); c.263+5G>A (NM_001407127.1, NM_001407130.1); c.95-26718G>A (NM_001407138.1); c.290+5G>A (NM_001407128.1).
Identifiers: ClinVar variation 2026638 (VCV002026638.4), dbSNP rs750562738, ClinGen allele CA047697.

ClinVar aggregate classification (germline): Uncertain significance (1 of 4 stars; one submission).

Conditions:
Familial thoracic aortic aneurysm and aortic dissection (TAAD). Also called: Thoracic aortic aneurysms and dissections. Identifiers: Orphanet 91387, MedGen C4707243, MONDO:0019625.

Allele frequency attached by ClinVar (database versions not stated): gnomAD exomes below 0.00001; ExAC 0.00001.
gnomAD v4.1: 1 of 1,613,588 alleles (0.000062%); highest among the groups gnomAD compares: Non-Finnish European, 0.000085%; no homozygotes.

Submission:

Labcorp Genetics (formerly Invitae), Labcorp
Classification: Uncertain significance for Familial thoracic aortic aneurysm and aortic dissection. Last evaluated: 2023-05-07. Review status: criteria provided, single submitter. Criteria: Invitae Variant Classification Sherloc (09022015). Collection method: clinical testing. Allele origin: germline.
Comment: In summary, the available evidence is currently insufficient to determine the role of this variant in disease. Therefore, it has been classified as a Variant of Uncertain Significance. Variants that disrupt the consensus splice site are a relatively common cause of aberrant splicing (PMID: 17576681, 9536098). Algorithms developed to predict the effect of sequence changes on RNA splicing suggest that this variant is not likely to affect RNA splicing. ClinVar contains an entry for this variant (Variation ID: 2026638). This variant has not been reported in the literature in individuals affected with TGFBR2-related conditions. This variant is present in population databases (rs750562738, gnomAD 0.0009%). This sequence change falls in intron 2 of the TGFBR2 gene. It does not directly change the encoded amino acid sequence of the TGFBR2 protein. It affects a nucleotide within the consensus splice site.

Literature cited by the submitters: PubMed 17576681; PubMed 9536098.